The following is an entry in ClinVar:

ClinVar aggregate classification (germline): Uncertain significance. Review status: criteria provided, multiple submitters, no conflicts (2 of 4 stars). 2 submissions from 2 submitters: Uncertain significance (2). Last evaluated 2025-10-30.

Allele frequency attached by ClinVar (database versions not stated): gnomAD exomes below 0.00001.
gnomAD v4.1: 3 of 1,320,286 alleles (0.00023%); highest among the groups gnomAD compares: Non-Finnish European, 0.00033%; no homozygotes.

Submissions (2):

Ambry Genetics
Classification: Uncertain significance. Last evaluated: 2025-10-30. Review status: criteria provided, single submitter. Criteria: Ambry Variant Classification Scheme 2023. Collection method: clinical testing. Allele origin: germline.

Labcorp Genetics (formerly Invitae), Labcorp
Classification: Uncertain significance. Last evaluated: 2023-01-13. Review status: criteria provided, single submitter. Criteria: Invitae Variant Classification Sherloc (09022015). Collection method: clinical testing. Allele origin: germline.
Comment: This sequence change replaces tryptophan, which is neutral and slightly polar, with glycine, which is neutral and non-polar, at codon 67 of the POLR3F protein (p.Trp67Gly). This variant is present in population databases (no rsID available, gnomAD 0.0009%). This variant has not been reported in the literature in individuals affected with POLR3F-related conditions. Algorithms developed to predict the effect of missense changes on protein structure and function are either unavailable or do not agree on the potential impact of this missense change (SIFT: "Deleterious"; PolyPhen-2: "Not Available"; Align-GVGD: "Class C0"). In summary, the available evidence is currently insufficient to determine the role of this variant in disease. Therefore, it has been classified as a Variant of Uncertain Significance.

NM_006466.4(POLR3F):c.322T>G (p.Trp108Gly)

Gene: POLR3F (RNA polymerase III subunit F; plus strand). Cytogenetic location: 20p11.23.
Variant type: single nucleotide variant.
Coding change: c.322T>G on transcript NM_006466.4 (MANE Select); coding-DNA position 322, T replaced by G.
Protein change: p.Trp108Gly; replaces tryptophan 108 with glycine.
Molecular consequence: missense variant. On other transcripts: non-coding transcript variant (1).
Genome position (GRCh38, 1-based): chr20:18,475,080, T>G. VCF-style: chr20-18475080-T-G. GRCh37 (hg19) VCF-style: chr20-18455724-T-G.
Other names: c.199T>G, p.Trp67Gly (NM_001282526.2); c.322T>G, p.Trp108Gly (NM_001410821.1); c.322T>G (NM_006466.2); short protein forms W67G, W108G.
Identifiers: ClinVar variation 2909520 (VCV002909520.4), dbSNP rs1426492398, ClinGen allele CA408351944.